The following is an entry in ClinVar:

ClinVar aggregate classification (germline): Uncertain significance (1 of 4 stars; one submission).

Conditions:
Familial hemophagocytic lymphohistiocytosis 5. Also called: STXBP2-Related Familial Hemophagocytic Lymphohistiocytosis (STXBP2-fHLH). Identifiers: Orphanet 540, MedGen C2751293, MONDO:0013135, OMIM 613101.

Allele frequency attached by ClinVar (database versions not stated): gnomAD exomes 0.00003; gnomAD 0.00001; TOPMed 0.00001; ExAC 0.00002.
gnomAD v4.1: 47 of 1,613,966 alleles (0.0029%); highest among the groups gnomAD compares: Non-Finnish European, 0.0036%; no homozygotes.

Submission:

Labcorp Genetics (formerly Invitae), Labcorp
Classification: Uncertain significance for Familial hemophagocytic lymphohistiocytosis 5. Last evaluated: 2022-04-24. Review status: criteria provided, single submitter. Criteria: Invitae Variant Classification Sherloc (09022015). Collection method: clinical testing. Allele origin: germline.
Comment: This sequence change affects codon 220 of the STXBP2 mRNA. It is a 'silent' change, meaning that it does not change the encoded amino acid sequence of the STXBP2 protein. This variant is present in population databases (rs759841324, gnomAD 0.004%). This variant has not been reported in the literature in individuals affected with STXBP2-related conditions. Algorithms developed to predict the effect of sequence changes on RNA splicing suggest that this variant may create or strengthen a splice site. In summary, the available evidence is currently insufficient to determine the role of this variant in disease. Therefore, it has been classified as a Variant of Uncertain Significance.

NM_006949.4(STXBP2):c.660C>T (p.Gly220=)

Gene: STXBP2 (syntaxin binding protein 2; plus strand). Cytogenetic location: 19p13.2.
Variant type: single nucleotide variant.
Coding change: c.660C>T on transcript NM_006949.4 (MANE Select); coding-DNA position 660, C replaced by T.
Protein change: p.Gly220=; no amino-acid change (glycine 220 retained).
Molecular consequence: synonymous variant. On other transcripts: non-coding transcript variant (1).
Genome position (GRCh38, 1-based): chr19:7,642,115, C>T. VCF-style: chr19-7642115-C-T. GRCh37 (hg19) VCF-style: chr19-7707001-C-T.
Other names: c.651C>T, p.Gly217= (NM_001127396.3); c.693C>T, p.Gly231= (NM_001272034.2); c.564C>T, p.Gly188= (NM_001414484.1).
Identifiers: ClinVar variation 2150762 (VCV002150762.1), dbSNP rs759841324, ClinGen allele CA9143742.